The following is an entry in ClinVar:

ClinVar aggregate classification (germline): Pathogenic (1 of 4 stars; one submission).

Submission:

Labcorp Genetics (formerly Invitae), Labcorp
Classification: Pathogenic. Last evaluated: 2025-02-24. Review status: criteria provided, single submitter. Criteria: Invitae Variant Classification Sherloc (09022015). Collection method: clinical testing. Allele origin: germline.
Comment: This sequence change creates a premature translational stop signal (p.Trp2883*) in the PCLO gene. It is expected to result in an absent or disrupted protein product. Loss-of-function variants in PCLO are known to be pathogenic (PMID: 25832664, 30287594). This variant is not present in population databases (gnomAD no frequency). This variant has not been reported in the literature in individuals affected with PCLO-related conditions. ClinVar contains an entry for this variant (Variation ID: 2860465). For these reasons, this variant has been classified as Pathogenic.

Literature cited by the submitters: PubMed 25832664; PubMed 30287594.

NM_033026.6(PCLO):c.8649G>A (p.Trp2883Ter)

Gene: PCLO (piccolo presynaptic cytomatrix protein; minus strand). Cytogenetic location: 7q21.11.
Variant type: single nucleotide variant.
Coding change: c.8649G>A on transcript NM_033026.6 (MANE Select); coding-DNA position 8649, G replaced by A.
Protein change: p.Trp2883Ter; replaces tryptophan 2883 with a stop codon.
Molecular consequence: nonsense.
Genome position (GRCh38, 1-based): chr7:82,952,304, C>T on the plus strand (G>A on the coding strand, the complement: PCLO is on the minus strand). VCF-style: chr7-82952304-C-T. GRCh37 (hg19) VCF-style: chr7-82581620-C-T.
Other names: c.8649G>A, p.Trp2883Ter (NM_014510.3); short protein forms W2883*.
Identifiers: ClinVar variation 2860465 (VCV002860465.3), dbSNP rs2535688312, ClinGen allele CA367910530.
Genomic context (GRCh38, chr7:82,952,304, plus strand): 5'-GGTTGTACTGAGATCCACTACTTCCCCATCAGTGATTCCCTGGGATACGGTGCTATCAGT[C>T]CATCCATTTGTGACACCAACAGGAGGCACAGTGACAGGTTTTGTAATAGCCAATGTCACT-3'